The following is an entry in ClinVar:

NM_205768.3(ZBTB18):c.1021G>A (p.Ala341Thr)

Gene: ZBTB18 (zinc finger and BTB domain containing 18; plus strand). Cytogenetic location: 1q44.
Variant type: single nucleotide variant.
Coding change: c.1021G>A on transcript NM_205768.3 (MANE Select); coding-DNA position 1021, G replaced by A.
Protein change: p.Ala341Thr; replaces alanine 341 with threonine.
Molecular consequence: missense variant. On other transcripts: 3 prime UTR variant (1).
Genome position (GRCh38, 1-based): chr1:244,054,795, G>A. VCF-style: chr1-244054795-G-A. GRCh37 (hg19) VCF-style: chr1-244218097-G-A.
Other names: c.994G>A, p.Ala332Thr (NM_001278196.2, NM_006352.5); c.*198G>A (NM_001421566.1); short protein forms A332T, A341T.
Identifiers: ClinVar variation 3674883 (VCV003674883.2).

ClinVar aggregate classification (germline): Uncertain significance (1 of 4 stars; one submission).

gnomAD v4.1: 22 of 1,614,054 alleles (0.0014%); highest among the groups gnomAD compares: Non-Finnish European, 0.0017%; no homozygotes.

Submission:

Labcorp Genetics (formerly Invitae), Labcorp
Classification: Uncertain significance. Last evaluated: 2024-12-30. Review status: criteria provided, single submitter. Criteria: Invitae Variant Classification Sherloc (09022015). Collection method: clinical testing. Allele origin: germline.
Comment: This sequence change replaces alanine, which is neutral and non-polar, with threonine, which is neutral and polar, at codon 341 of the ZBTB18 protein (p.Ala341Thr). This variant is present in population databases (no rsID available, gnomAD 0.003%). This variant has not been reported in the literature in individuals affected with ZBTB18-related conditions. Invitae Evidence Modeling of protein sequence and biophysical properties (such as structural, functional, and spatial information, amino acid conservation, physicochemical variation, residue mobility, and thermodynamic stability) indicates that this missense variant is not expected to disrupt ZBTB18 protein function with a negative predictive value of 95%. In summary, the available evidence is currently insufficient to determine the role of this variant in disease. Therefore, it has been classified as a Variant of Uncertain Significance.